The following is an entry in ClinVar:

NM_006129.5(BMP1):c.2077A>G (p.Lys693Glu)

Gene: BMP1 (bone morphogenetic protein 1; plus strand). Cytogenetic location: 8p21.3.
Variant type: single nucleotide variant.
Coding change: c.2077A>G on transcript NM_006129.5 (MANE Select); coding-DNA position 2077, A replaced by G.
Protein change: p.Lys693Glu; replaces lysine 693 with glutamic acid.
Molecular consequence: missense variant. On other transcripts: non-coding transcript variant (2).
Genome position (GRCh38, 1-based): chr8:22,197,390, A>G. VCF-style: chr8-22197390-A-G. GRCh37 (hg19) VCF-style: chr8-22054903-A-G.
Other names: c.2077A>G, p.Lys693Glu (NM_001199.4); short protein forms K693E.
Identifiers: ClinVar variation 2241682 (VCV002241682.4), dbSNP rs775928083, ClinGen allele CA4664924.

ClinVar aggregate classification (germline): Uncertain significance. Review status: criteria provided, single submitter (1 of 4 stars). 2 submissions from 2 submitters: Uncertain significance (1). 1 of the submissions does not count toward it. Last evaluated 2021-08-09.

Conditions:
BMP1-related disorder. Also called: BMP1-related condition.
Inborn genetic diseases. Identifiers: MedGen C0950123, MeSH D030342.

Allele frequency attached by ClinVar (database versions not stated): ExAC 0.00001; gnomAD 0.00005; TOPMed 0.00005.
gnomAD v4.1: 10 of 1,611,470 alleles (0.00062%); highest among the groups gnomAD compares: African/African-American, 0.012%; no homozygotes.

Submissions (2):

Ambry Genetics
Classification: Uncertain significance for Inborn genetic diseases. Last evaluated: 2021-08-09. Review status: criteria provided, single submitter. Criteria: Ambry Variant Classification Scheme 2023. Collection method: clinical testing. Allele origin: germline.

PreventionGenetics, part of Exact Sciences
Classification: Uncertain significance for BMP1-related condition. Last evaluated: 2024-01-08. Review status: no assertion criteria provided. Collection method: clinical testing. Allele origin: germline. Not counted in ClinVar's aggregate classification.
Comment: The BMP1 c.2077A>G variant is predicted to result in the amino acid substitution p.Lys693Glu. To our knowledge, this variant has not been reported in the literature. This variant is reported in 0.023% of alleles in individuals of African descent in gnomAD. At this time, the clinical significance of this variant is uncertain due to the absence of conclusive functional and genetic evidence.